The following is an entry in ClinVar:

NM_002230.4(JUP):c.1745G>A (p.Arg582Gln)

Gene: JUP (junction plakoglobin; minus strand). Cytogenetic location: 17q21.2.
Variant type: single nucleotide variant.
Coding change: c.1745G>A on transcript NM_002230.4 (MANE Select); coding-DNA position 1745, G replaced by A.
Protein change: p.Arg582Gln; replaces arginine 582 with glutamine.
Molecular consequence: missense variant.
Genome position (GRCh38, 1-based): chr17:41,758,427, C>T on the plus strand (G>A on the coding strand, the complement: JUP is on the minus strand). VCF-style: chr17-41758427-C-T. GRCh37 (hg19) VCF-style: chr17-39914679-C-T.
Other names: c.1745G>A, p.Arg582Gln (NM_001352773.2, NM_001352774.2, NM_001352775.2 and 3 more transcripts); short protein forms R582Q.
Identifiers: ClinVar variation 519077 (VCV000519077.14), dbSNP rs781828085, ClinGen allele CA290695975.

ClinVar aggregate classification (germline): Uncertain significance. Review status: criteria provided, multiple submitters, no conflicts (2 of 4 stars). 2 submissions from 2 submitters: Uncertain significance (2). Last evaluated 2025-10-17.

Conditions:
Cardiovascular phenotype. Identifiers: MedGen CN230736.
Naxos disease (NXD). Also called: PALMOPLANTAR KERATODERMA WITH ARRHYTHMOGENIC RIGHT VENTRICULAR CARDIOMYOPATHY AND WOOLLY HAIR; CARDIOMYOPATHY, ARRHYTHMOGENIC RIGHT VENTRICULAR, WITH SKIN, HAIR, AND NAIL ABNORMALITIES; KERATOSIS PALMOPLANTARIS WITH ARRHYTHMOGENIC CARDIOMYOPATHY; MAL DE NAXOS; WOOLLY HAIR, PALMOPLANTAR KERATODERMA, AND CARDIAC ABNORMALITIES. Identifiers: Orphanet 34217, MedGen C1832600, MONDO:0011017, OMIM 601214.
Arrhythmogenic right ventricular dysplasia 12. Also called: ARRHYTHMOGENIC RIGHT VENTRICULAR DYSPLASIA, FAMILIAL, 12. Identifiers: MedGen C1969081, MONDO:0012684, OMIM 611528.

Allele frequency attached by ClinVar (database versions not stated): TOPMed 0.00001; gnomAD exomes 0.00002.
gnomAD v4.1: 25 of 1,613,558 alleles (0.0015%); highest among the groups gnomAD compares: South Asian, 0.0022%; no homozygotes.

Submissions (2):

Ambry Genetics
Classification: Uncertain significance for Cardiovascular phenotype. Last evaluated: 2025-10-17. Review status: criteria provided, single submitter. Criteria: Ambry Variant Classification Scheme 2023. Collection method: clinical testing. Allele origin: germline.

Labcorp Genetics (formerly Invitae), Labcorp
Classification: Uncertain significance for Arrhythmogenic right ventricular dysplasia 12; Naxos disease. Last evaluated: 2023-08-28. Review status: criteria provided, single submitter. Criteria: Invitae Variant Classification Sherloc (09022015). Collection method: clinical testing. Allele origin: germline.
Comment: In summary, the available evidence is currently insufficient to determine the role of this variant in disease. Therefore, it has been classified as a Variant of Uncertain Significance. An algorithm developed to predict the effect of missense changes on protein structure and function (PolyPhen-2) suggests that this variant is likely to be tolerated. ClinVar contains an entry for this variant (Variation ID: 519077). This missense change has been observed in individual(s) with dilated cardiomyopathy (PMID: 30847666). This variant is not present in population databases (gnomAD no frequency). This sequence change replaces arginine, which is basic and polar, with glutamine, which is neutral and polar, at codon 582 of the JUP protein (p.Arg582Gln).

Literature cited by the submitters: PubMed 30847666 (cited by Labcorp Genetics (formerly Invitae), Labcorp).